The following is an entry in ClinVar:

ClinVar aggregate classification (germline): Pathogenic (1 of 4 stars; one submission).

Conditions:
MSH6-related disorder. Also called: MSH6-related condition; MSH6-Related disorders.

Submission:

PreventionGenetics, part of Exact Sciences
Classification: Pathogenic for MSH6-related condition. Last evaluated: 2023-10-02. Review status: criteria provided, single submitter. Criteria: ACMG Guidelines, 2015. Collection method: clinical testing. Allele origin: germline.
Comment: The MSH6 c.3076delG variant is predicted to result in a frameshift and premature protein termination (p.Asp1026Metfs*4). To our knowledge, this variant has not been reported in the literature or in a large population database, indicating this variant is rare. Frameshift variants in MSH6 are expected to be pathogenic, and premature termination variants immediately up- and downstream of residue 1026 have been associated with MSH6-related cancers (Human Gene Mutation Database). This variant is interpreted as pathogenic.

NM_000179.3(MSH6):c.3076del (p.Asp1026fs)

Gene: MSH6 (mutS homolog 6; plus strand). Cytogenetic location: 2p16.3.
Variant type: Deletion.
Coding change: c.3076del on transcript NM_000179.3 (MANE Select); coding-DNA position 3076, one base deleted (G; older notation c.3076delG).
Protein change: p.Asp1026fs; shifts the reading frame from aspartic acid 1026.
Molecular consequence: frameshift variant. On other transcripts: non-coding transcript variant (5), intron variant (2).
Genome position (GRCh38, 1-based): chr2:47,801,059, G deleted; the last of 3 consecutive G bases (chr2:47,801,057-47,801,059); deleting any one gives the same sequence. VCF-style (leftmost placement, unchanged base first): chr2-47801056-AG-A. GRCh37 (hg19) VCF-style: chr2-48028195-AG-A.
Other names: c.2686del, p.Asp896fs (NM_001281492.2); c.2170del, p.Asp724fs (NM_001281493.2, NM_001281494.2, NM_001406811.1 and 6 more transcripts); c.3172del, p.Asp1058fs (NM_001406795.1, NM_001406802.1); c.3076del, p.Asp1026fs (NM_001406796.1, NM_001406798.1, NM_001406800.1 and 2 more transcripts); c.2779del, p.Asp927fs (NM_001406797.1, NM_001406801.1, NM_001406805.1 and 10 more transcripts); c.2551del, p.Asp851fs (NM_001406799.1, NM_001406806.1, NM_001406807.1); c.2998del, p.Asp1000fs (NM_001406804.1); c.3082del, p.Asp1028fs (NM_001406813.1); and 4 more; short protein forms D1000fs, D1026fs, D1028fs, D1058fs, D341fs, D724fs, D851fs, D896fs.
Identifiers: ClinVar variation 2630769 (VCV002630769.1), dbSNP rs2530711864, ClinGen allele CA2695200620.